The following is an entry in ClinVar:

NM_022114.4(PRDM16):c.2296G>A (p.Gly766Ser)

Gene: PRDM16 (PR/SET domain 16; plus strand). Cytogenetic location: 1p36.32.
Variant type: single nucleotide variant.
Coding change: c.2296G>A on transcript NM_022114.4 (MANE Select); coding-DNA position 2296, G replaced by A.
Protein change: p.Gly766Ser; replaces glycine 766 with serine.
Molecular consequence: missense variant.
Genome position (GRCh38, 1-based): chr1:3,412,493, G>A. VCF-style: chr1-3412493-G-A. GRCh37 (hg19) VCF-style: chr1-3329057-G-A.
Other names: c.2296G>A, p.Gly766Ser (NM_199454.3); short protein forms G766S.
Identifiers: ClinVar variation 474419 (VCV000474419.18), dbSNP rs199998420, ClinGen allele CA544440.

ClinVar aggregate classification (germline): Conflicting classifications of pathogenicity. Review status: criteria provided, conflicting classifications (1 of 4 stars). 5 submissions from 5 submitters: Uncertain significance (1); Likely benign (4). Last evaluated 2026-05-08.

Conditions:
Primary familial hypertrophic cardiomyopathy (HCM). Identifiers: Orphanet 99739, MedGen C0949658, MeSH D024741, MONDO:0024573. Inheritance: Various modes of inheritance.
Left ventricular noncompaction 8 (LVNC8). Identifiers: Orphanet 154, Orphanet 54260, MedGen C3809288, MONDO:0014152, OMIM 615373.

Allele frequency attached by ClinVar (database versions not stated): gnomAD exomes 0.00024; gnomAD 0.00078 and 0.00081; 1000 Genomes Project 0.00080; ExAC 0.00029; 1000 Genomes Project 30x 0.00078; TOPMed 0.00088; ESP Exome Variant Server 0.00122.
gnomAD v4.1: 245 of 1,613,360 alleles (0.015%); highest among the groups gnomAD compares: African/African-American, 0.23%; no homozygotes.

Submissions (5):

Women's Health and Genetics/Laboratory Corporation of America, LabCorp
Classification: Likely benign. Last evaluated: 2026-05-08. Review status: criteria provided, single submitter. Criteria: LabCorp Variant Classification Summary - May 2015. Collection method: clinical testing. Allele origin: germline.

Labcorp Genetics (formerly Invitae), Labcorp
Classification: Likely benign for Left ventricular noncompaction 8. Last evaluated: 2026-01-13. Review status: criteria provided, single submitter. Criteria: Invitae Variant Classification Sherloc (09022015). Collection method: clinical testing. Allele origin: germline.

Klaassen Lab, Charite University Medicine Berlin
Classification: Uncertain significance for Primary familial hypertrophic cardiomyopathy. Last evaluated: 2019-07-03. Review status: criteria provided, single submitter. Criteria: ACMG Guidelines, 2015. Collection method: research. Allele origin: germline. Affected: yes.

GeneDx
Classification: Likely benign. Last evaluated: 2018-12-06. Review status: criteria provided, single submitter. Criteria: GeneDx Variant Classification Process June 2021. Collection method: clinical testing. Allele origin: germline. Affected: yes.

Laboratory for Molecular Medicine, Mass General Brigham Personalized Medicine
Classification: Likely benign. Last evaluated: 2017-03-07. Review status: criteria provided, single submitter. Criteria: LMM Criteria. Collection method: clinical testing. Allele origin: germline. Observed: 1 variant allele.
Comment: p.Gly766Ser in exon 9 of PRDM16: This variant is not expected to have clinical s ignificance because it has been identified in 0.3% (27/9554) of African chromoso mes by the Exome Aggregation Consortium (ExAC; d bSNP rs199998420).

Literature cited by the submitters: PubMed 31333075 (cited by Klaassen Lab, Charite University Medicine Berlin); PubMed 31568572 (cited by Klaassen Lab, Charite University Medicine Berlin).